The following is an entry in ClinVar:

NM_001330260.2(SCN8A):c.2533T>C (p.Ser845Pro)

Gene: SCN8A (sodium voltage-gated channel alpha subunit 8; plus strand). Cytogenetic location: 12q13.13.
Variant type: single nucleotide variant.
Coding change: c.2533T>C on transcript NM_001330260.2 (MANE Select); coding-DNA position 2533, T replaced by C.
Protein change: p.Ser845Pro; replaces serine 845 with proline.
Molecular consequence: missense variant.
Genome position (GRCh38, 1-based): chr12:51,762,665, T>C. VCF-style: chr12-51762665-T-C. GRCh37 (hg19) VCF-style: chr12-52156449-T-C.
Other names: NM_001330260.2(SCN8A):c.2533T>C; p.Ser845Pro; c.2533T>C, p.Ser845Pro (NM_001177984.3, NM_001369788.1, NM_014191.4); short protein forms S845P.
Identifiers: ClinVar variation 373333 (VCV000373333.2), dbSNP rs1057518356, ClinGen allele CA16042904.

ClinVar aggregate classification (germline): Likely pathogenic. Review status: reviewed by expert panel (3 of 4 stars). 2 submissions from 2 submitters: Likely pathogenic (1). 1 of the submissions does not count toward it. Last evaluated 2025-08-26.

Conditions:
Complex neurodevelopmental disorder. Identifiers: Orphanet 528084, MedGen C5568766, MONDO:0100038.

Submissions (2):

ClinGen Epilepsy Sodium Channel Variant Curation Expert Panel, Clingen
Classification: Likely pathogenic for Complex neurodevelopmental disorder. Last evaluated: 2025-08-26. Review status: reviewed by expert panel. Criteria: ClinGen EpilepsySCN ACMG Specifications SCN8A V2.0.0. Collection method: curation. Allele origin: germline. Inheritance: Autosomal dominant inheritance.
Comment: The NM_001330260.2:c.2533T>C variant in SCN8A is a missense variant predicted to cause substitution of serine by proline at amino acid 845 (p.Ser845Pro). This variant is absent from gnomAD v4.1.0 (PM2_Supporting). The computational predictor REVEL gives a score of 0.960, which is above the threshold of 0.773, evidence that correlates with impact to SCN8A function (PP3_Moderate). Another missense variant (c.2534C>T (p.Ser845Phe), ClinVar Variation ID: 207109) in the same codon has been classified as likely pathogenic for autosomal dominant complex neurodevelopmental disorder by the ClinGen Epilepsy Sodium Channel VCEP (PM5_Supporting). This variant resides within a region, amino acids 844-852, of SCN8A that is defined as a mutational hotspot and/or critical functional domain by the ClinGen Epilepsy Sodium Channel VCEP (PM1). In summary, this variant meets the criteria to be classified as likely pathogenic for autosomal dominant complex neurodevelopmental disorder based on the ACMG/AMP criteria applied, as specified by the ClinGen Epilepsy Sodium Channel VCEP: PM1, PP3_Moderate, PM2_Supporting, PM5_Supporting. (VCEP specifications version 2.0.0; approved 8/26/25).

GeneDx
Classification: Likely pathogenic. Last evaluated: 2016-11-28. Review status: criteria provided, single submitter. Criteria: GeneDx Variant Classification (06012015). Collection method: clinical testing. Allele origin: germline. Affected: yes. Not counted in ClinVar's aggregate classification.
Comment: A novel variant that is likely pathogenic has been identified in the SCN8A gene. The S845P variant has not been published as a pathogenic variant, nor has it been reported as a benign variant to our knowledge. It was not observed in approximately 6,000 individuals of European and African American ancestry in the NHLBI Exome Sequencing Project, indicating it is not a common benign variant in these populations. The S845P variant is a non-conservative amino acid substitution, which is likely to impact secondary protein structure as these residues differ in polarity, charge, size and/or other properties. This substitution occurs at a conserved position within the transmembrane segment S4 voltage sensor of the second homologous domain. Missense variants in nearby residues (F846S and R850Q) have been reported in the Human Gene Mutation Database in association with SCN8A-related disorders (Stenson et al., 2014), supporting the functional importance of this region of the protein. Additionally, in silico analysis predicts the S845P variant is probably damaging to the protein structure/function. Therefore, this variant is likely pathogenic.